The following is an entry in ClinVar:

ClinVar aggregate classification (germline): Uncertain significance. Review status: criteria provided, multiple submitters, no conflicts (2 of 4 stars). 2 submissions from 2 submitters: Uncertain significance (2). Last evaluated 2025-08-03.

Allele frequency attached by ClinVar (database versions not stated): gnomAD exomes below 0.00001 and 0.00001; ExAC 0.00001; gnomAD 0.00001; TOPMed 0.00002; ESP Exome Variant Server 0.00008.
gnomAD v4.1: 3 of 1,338,038 alleles (0.00022%); highest among the groups gnomAD compares: African/African-American, 0.0045%; no homozygotes.

Submissions (2):

Ambry Genetics
Classification: Uncertain significance. Last evaluated: 2025-08-03. Review status: criteria provided, single submitter. Criteria: Ambry Variant Classification Scheme 2023. Collection method: clinical testing. Allele origin: germline.

Labcorp Genetics (formerly Invitae), Labcorp
Classification: Uncertain significance. Last evaluated: 2025-05-10. Review status: criteria provided, single submitter. Criteria: Invitae Variant Classification Sherloc (09022015). Collection method: clinical testing. Allele origin: germline.
Comment: This sequence change replaces valine, which is neutral and non-polar, with methionine, which is neutral and non-polar, at codon 894 of the CCDC88A protein (p.Val894Met). This variant is present in population databases (rs375756097, gnomAD 0.01%). This variant has not been reported in the literature in individuals affected with CCDC88A-related conditions. ClinVar contains an entry for this variant (Variation ID: 1367093). An algorithm developed to predict the effect of missense changes on protein structure and function (PolyPhen-2) suggests that this variant is likely to be disruptive. In summary, the available evidence is currently insufficient to determine the role of this variant in disease. Therefore, it has been classified as a Variant of Uncertain Significance.

NM_001365480.1(CCDC88A):c.2680G>A (p.Val894Met)

Gene: CCDC88A (coiled-coil and HOOK domain protein 88A; minus strand). Cytogenetic location: 2p16.1.
Variant type: single nucleotide variant.
Coding change: c.2680G>A on transcript NM_001365480.1 (MANE Select); coding-DNA position 2680, G replaced by A.
Protein change: p.Val894Met; replaces valine 894 with methionine.
Molecular consequence: missense variant.
Genome position (GRCh38, 1-based): chr2:55,334,141, C>T on the plus strand (G>A on the coding strand, the complement: CCDC88A is on the minus strand). VCF-style: chr2-55334141-C-T. GRCh37 (hg19) VCF-style: chr2-55561277-C-T.
Other names: c.2680G>A (NM_001135597.1); c.2680G>A, p.Val894Met (NM_001135597.2, NM_001254943.2, NM_018084.5); short protein forms V894M.
Identifiers: ClinVar variation 1367093 (VCV001367093.9), dbSNP rs375756097, ClinGen allele CA1665954.